The following is an entry in ClinVar:

NC_000005.9:g.(?_90398036)_(90459717_?)dup

Gene: ADGRV1 (adhesion G protein-coupled receptor V1; plus strand). Cytogenetic location: 5q14.3.
Variant type: Duplication.
Identifiers: ClinVar variation 1000561 (VCV001000561.7).

ClinVar aggregate classification (germline): Uncertain significance (1 of 4 stars; one submission).

Submission:

Labcorp Genetics (formerly Invitae), Labcorp
Classification: Uncertain significance. Last evaluated: 2020-03-20. Review status: criteria provided, single submitter. Criteria: Invitae Variant Classification Sherloc (09022015). Collection method: clinical testing. Allele origin: germline.
Comment: In summary, the available evidence is currently insufficient to determine the role of this variant in disease. Therefore, it has been classified as a Variant of Uncertain Significance. Experimental studies and prediction algorithms are not available or were not evaluated, and the functional significance of this variant is currently unknown. This variant has not been reported in the literature in individuals with ADGRV1-related conditions. This variant results in a copy number gain of the genomic region encompassing exons 87-90 of the ADGRV1 gene. The 5' boundary is likely confined to intron 86. The 3' end of this event is unknown as it extends beyond the assayed region for this gene and therefore may encompass additional genes. As the precise location of this event is unknown, it may be in tandem or it may be located elsewhere in the genome.